The following is an entry in ClinVar:

NM_144991.3(TSPEAR):c.1274G>A (p.Arg425Gln)

Gene: TSPEAR (thrombospondin type laminin G domain and EAR repeats; minus strand). Cytogenetic location: 21q22.3.
Variant type: single nucleotide variant.
Coding change: c.1274G>A on transcript NM_144991.3 (MANE Select); coding-DNA position 1274, G replaced by A.
Protein change: p.Arg425Gln; replaces arginine 425 with glutamine.
Molecular consequence: missense variant.
Genome position (GRCh38, 1-based): chr21:44,525,715, C>T on the plus strand (G>A on the coding strand, the complement: TSPEAR is on the minus strand). VCF-style: chr21-44525715-C-T. GRCh37 (hg19) VCF-style: chr21-45945598-C-T.
Other names: c.1070G>A, p.Arg357Gln (NM_001272037.2); short protein forms R357Q, R425Q.
Identifiers: ClinVar variation 2662873 (VCV002662873.1), dbSNP rs587714285, ClinGen allele CA10056652.

ClinVar aggregate classification (germline): Uncertain significance (1 of 4 stars; one submission).

Allele frequency attached by ClinVar (database versions not stated): ExAC 0.00001; gnomAD 0.00002; gnomAD exomes 0.00003; 1000 Genomes Project 30x 0.00016; 1000 Genomes Project 0.00020.
gnomAD v4.1: 46 of 1,614,204 alleles (0.0028%); highest among the groups gnomAD compares: Middle Eastern, 0.016%; no homozygotes.

Submission:

GeneDx
Classification: Uncertain significance. Last evaluated: 2023-10-27. Review status: criteria provided, single submitter. Criteria: GeneDx Variant Classification Process June 2021. Collection method: clinical testing. Allele origin: germline. Affected: yes.
Comment: In silico analysis, which includes protein predictors and evolutionary conservation, supports that this variant does not alter protein structure/function; Has not been previously published as pathogenic or benign to our knowledge